The following is an entry in ClinVar:

ClinVar aggregate classification (germline): Pathogenic. Review status: reviewed by expert panel (3 of 4 stars). 3 submissions from 3 submitters: Pathogenic (1). 2 of the submissions do not count toward it. Last evaluated 2016-04-22.

Conditions:
Hereditary cancer-predisposing syndrome. Also called: Tumor predisposition; Hereditary neoplastic syndrome; Neoplastic Syndromes, Hereditary; Hereditary Cancer Syndrome. Identifiers: Orphanet 140162, MedGen C0027672, MeSH D009386, MONDO:0015356.
Hereditary breast ovarian cancer syndrome. Also called: Hereditary breast and ovarian cancer; BRCA1- and BRCA2-Associated Hereditary Breast and Ovarian Cancer; Hereditary breast and/or ovarian cancer syndrome; Hereditary breast and ovarian cancer syndrome; Hereditary breast and ovarian cancer syndrome (HBOC); Breast and ovarian cancer. Identifiers: Orphanet 145, MedGen C0677776, MeSH D061325, MONDO:0003582. Disease mechanism: loss of function.
Breast-ovarian cancer, familial, susceptibility to, 2 (BROVCA2). Also called: BRCA2 Hereditary Breast and Ovarian Cancer. Identifiers: Orphanet 145, MedGen C2675520, MONDO:0012933, OMIM 612555. Disease mechanism: loss of function.

Submissions (3):

Evidence-based Network for the Interpretation of Germline Mutant Alleles (ENIGMA)
Classification: Pathogenic for Breast-ovarian cancer, familial, susceptibility to, 2. Last evaluated: 2016-04-22. Review status: reviewed by expert panel. Criteria: ENIGMA BRCA1/2 Classification Criteria (2015). Collection method: curation. Allele origin: germline.
Comment: Variant allele predicted to encode a truncated non-functional protein.

Ambry Genetics
Classification: Pathogenic for Hereditary cancer-predisposing syndrome. Last evaluated: 2022-09-06. Review status: criteria provided, single submitter. Criteria: Ambry Variant Classification Scheme 2023. Collection method: clinical testing. Allele origin: germline. Not counted in ClinVar's aggregate classification.
Comment: The c.8902_8913del12insTCCC pathogenic mutation, located in coding exon 21 of the BRCA2 gene, results from the deletion of 12 nucleotides and insertion of 4 nucleotides causing a translational frameshift with a predicted alternate stop codon (p.T2968Sfs*47). This alteration is expected to result in loss of function by premature protein truncation or nonsense-mediated mRNA decay. As such, this alteration is interpreted as a disease-causing mutation.

Labcorp Genetics (formerly Invitae), Labcorp
Classification: Pathogenic for Hereditary breast ovarian cancer syndrome. Last evaluated: 2022-04-29. Review status: criteria provided, single submitter. Criteria: Invitae Variant Classification Sherloc (09022015). Collection method: clinical testing. Allele origin: germline. Not counted in ClinVar's aggregate classification.
Comment: For these reasons, this variant has been classified as Pathogenic. This variant has not been reported in the literature in individuals affected with BRCA2-related conditions. Information on the frequency of this variant in the gnomAD database is not available, as this variant may be reported differently in the database. This sequence change creates a premature translational stop signal (p.Thr2968Serfs*47) in the BRCA2 gene. It is expected to result in an absent or disrupted protein product. Loss-of-function variants in BRCA2 are known to be pathogenic (PMID: 20104584).

Literature cited by the submitters: PubMed 20104584 (cited by Labcorp Genetics (formerly Invitae), Labcorp).

NM_000059.4(BRCA2):c.8902_8913delinsTCCC (p.Thr2968fs)

Gene: BRCA2 (BRCA2 DNA repair associated; plus strand). Cytogenetic location: 13q13.1.
Variant type: Indel.
Coding change: c.8902_8913delinsTCCC on transcript NM_000059.4 (MANE Select); coding-DNA positions 8902 to 8913, ACCGTGTGGAAG replaced by TCCC.
Protein change: p.Thr2968fs; shifts the reading frame from threonine 2968.
Molecular consequence: frameshift variant.
Genome position (GRCh38, 1-based): chr13:32,379,464-32,379,475, ACCGTGTGGAAG replaced by TCCC. VCF-style: chr13-32379464-ACCGTGTGGAAG-TCCC. GRCh37 (hg19) VCF-style: chr13-32953601-ACCGTGTGGAAG-TCCC.
Other names: 9130del12insTCCC; c.8902_8913del12insTCCC (NM_000059.3); c.8806_8817delACCGTGTGGAAGinsTCCC, p.Thr2936Serfs (NM_001406719.1); c.8902_8913delACCGTGTGGAAGinsTCCC, p.Thr2968Serfs (NM_001406720.1); c.3970_3981delACCGTGTGGAAGinsTCCC, p.Thr1324Serfs (NM_001406721.1); c.2485_2496delACCGTGTGGAAGinsTCCC, p.Thr829Serfs (NM_001406722.1); short protein forms T2968fs.
Identifiers: ClinVar variation 221071 (VCV000221071.9), dbSNP rs864622735, ClinGen allele CA348803.